The following is an entry in ClinVar:

NM_003038.5(SLC1A4):c.356C>T (p.Ala119Val)

Gene: SLC1A4 (solute carrier family 1 member 4; plus strand). Cytogenetic location: 2p14.
Variant type: single nucleotide variant.
Coding change: c.356C>T on transcript NM_003038.5 (MANE Select); coding-DNA position 356, C replaced by T.
Protein change: p.Ala119Val; replaces alanine 119 with valine.
Molecular consequence: missense variant. On other transcripts: intron variant (3).
Genome position (GRCh38, 1-based): chr2:64,989,999, C>T. VCF-style: chr2-64989999-C-T. GRCh37 (hg19) VCF-style: chr2-65217133-C-T.
Other names: c.-134+1379C>T (NM_001348406.2, NM_001193493.2); c.-134+1445C>T (NM_001348407.2); short protein forms A119V.
Identifiers: ClinVar variation 2043429 (VCV002043429.4), dbSNP rs1407662441, ClinGen allele CA347078708.

ClinVar aggregate classification (germline): Uncertain significance (1 of 4 stars; one submission).

Allele frequency attached by ClinVar (database versions not stated): gnomAD exomes below 0.00001.
gnomAD v4.1: 2 of 1,595,074 alleles (0.00013%); highest among the groups gnomAD compares: Non-Finnish European, 0.00017%; no homozygotes.

Submission:

Labcorp Genetics (formerly Invitae), Labcorp
Classification: Uncertain significance. Last evaluated: 2023-10-03. Review status: criteria provided, single submitter. Criteria: Invitae Variant Classification Sherloc (09022015). Collection method: clinical testing. Allele origin: germline.
Comment: This sequence change replaces alanine, which is neutral and non-polar, with valine, which is neutral and non-polar, at codon 119 of the SLC1A4 protein (p.Ala119Val). The frequency data for this variant in the population databases is considered unreliable, as metrics indicate poor data quality at this position in the gnomAD database. This variant has not been reported in the literature in individuals affected with SLC1A4-related conditions. ClinVar contains an entry for this variant (Variation ID: 2043429). Advanced modeling of protein sequence and biophysical properties (such as structural, functional, and spatial information, amino acid conservation, physicochemical variation, residue mobility, and thermodynamic stability) performed at Invitae indicates that this missense variant is not expected to disrupt SLC1A4 protein function. In summary, the available evidence is currently insufficient to determine the role of this variant in disease. Therefore, it has been classified as a Variant of Uncertain Significance.